The following is an entry in ClinVar:

NM_017802.4(DNAAF5):c.673G>A (p.Val225Met)

Gene: DNAAF5 (dynein axonemal assembly factor 5; plus strand). Cytogenetic location: 7p22.3.
Variant type: single nucleotide variant.
Coding change: c.673G>A on transcript NM_017802.4 (MANE Select); coding-DNA position 673, G replaced by A.
Protein change: p.Val225Met; replaces valine 225 with methionine.
Molecular consequence: missense variant. On other transcripts: non-coding transcript variant (1).
Genome position (GRCh38, 1-based): chr7:729,740, G>A. VCF-style: chr7-729740-G-A. GRCh37 (hg19) VCF-style: chr7-769377-G-A.
Other names: short protein forms V225M.
Identifiers: ClinVar variation 3227047 (VCV003227047.1), dbSNP rs2484023725, ClinGen allele CA366531829.

ClinVar aggregate classification (germline): Uncertain significance (1 of 4 stars; one submission).

Conditions:
Primary ciliary dyskinesia. Also called: Ciliary dyskinesia. Identifiers: Orphanet 244, MedGen C0008780, MONDO:0016575, HP:0012265.

Submission:

Ambry Genetics
Classification: Uncertain significance for Primary ciliary dyskinesia. Last evaluated: 2024-03-08. Review status: criteria provided, single submitter. Criteria: Ambry Variant Classification Scheme 2023. Collection method: clinical testing. Allele origin: germline.
Comment: The p.V225M variant (also known as c.673G>A), located in coding exon 2 of the DNAAF5 gene, results from a G to A substitution at nucleotide position 673. The valine at codon 225 is replaced by methionine, an amino acid with highly similar properties. This amino acid position is conserved. In addition, the in silico prediction for this alteration is inconclusive. Based on the available evidence, the clinical significance of this alteration remains unclear.